The following is an entry in ClinVar:

ClinVar aggregate classification (germline): Uncertain significance (1 of 4 stars; one submission).

Conditions:
Pyridoxal phosphate-responsive seizures (PNPOD). Also called: EPILEPTIC ENCEPHALOPATHY, NEONATAL, PNPO-RELATED; SEIZURES, PYRIDOXINE-RESISTANT, PLP-SENSITIVE; Pyridoxamine 5-Prime-Phosphate Oxidase Deficiency; Pyridoxine-5'-phosphate oxidase deficiency; Pyridoxal 5'-Phosphate (PLP)-Dependent Epilepsy. Identifiers: Orphanet 79096, MedGen C1864723, MONDO:0012407, OMIM 610090. Disease mechanism: loss of function.

Allele frequency attached by ClinVar (database versions not stated): gnomAD exomes 0.00001; ExAC 0.00007.
gnomAD v4.1: 21 of 1,614,158 alleles (0.0013%); highest among the groups gnomAD compares: Non-Finnish European, 0.0017%; no homozygotes.

Submission:

Labcorp Genetics (formerly Invitae), Labcorp
Classification: Uncertain significance for Pyridoxal phosphate-responsive seizures. Last evaluated: 2024-04-05. Review status: criteria provided, single submitter. Criteria: Invitae Variant Classification Sherloc (09022015). Collection method: clinical testing. Allele origin: germline.
Comment: This sequence change replaces glycine, which is neutral and non-polar, with serine, which is neutral and polar, at codon 101 of the PNPO protein (p.Gly101Ser). This variant is present in population databases (rs771479988, gnomAD 0.008%). This variant has not been reported in the literature in individuals affected with PNPO-related conditions. ClinVar contains an entry for this variant (Variation ID: 2080223). Advanced modeling of protein sequence and biophysical properties (such as structural, functional, and spatial information, amino acid conservation, physicochemical variation, residue mobility, and thermodynamic stability) performed at Invitae indicates that this missense variant is not expected to disrupt PNPO protein function with a negative predictive value of 80%. In summary, the available evidence is currently insufficient to determine the role of this variant in disease. Therefore, it has been classified as a Variant of Uncertain Significance.

NM_018129.4(PNPO):c.301G>A (p.Gly101Ser)

Gene: PNPO (pyridoxamine 5'-phosphate oxidase; plus strand). Cytogenetic location: 17q21.32.
Variant type: single nucleotide variant.
Coding change: c.301G>A on transcript NM_018129.4 (MANE Select); coding-DNA position 301, G replaced by A.
Protein change: p.Gly101Ser; replaces glycine 101 with serine.
Molecular consequence: missense variant.
Genome position (GRCh38, 1-based): chr17:47,944,653, G>A. VCF-style: chr17-47944653-G-A. GRCh37 (hg19) VCF-style: chr17-46022019-G-A.
Other names: short protein forms G101S.
Identifiers: ClinVar variation 2080223 (VCV002080223.4), dbSNP rs771479988, ClinGen allele CA8629146.